The following is an entry in ClinVar:

ClinVar aggregate classification (germline): Uncertain significance (1 of 4 stars; one submission).

Conditions:
Hypogonadism with anosmia (KS). Also called: Anosmic idiopathic hypogonadotropic hypogonadism; Hypogonadotropic hypogonadism-anosmia syndrome; Dysplasia olfactogenitalis of De Morsier (formerly); Anosmic hypogonadism; Kallmann syndrome. Identifiers: Orphanet 478, MedGen C0162809, MONDO:0018800.

gnomAD v4.1: 3 of 1,610,866 alleles (0.00019%); highest among the groups gnomAD compares: Non-Finnish European, 0.00025%; no homozygotes.

Submission:

Molecular Genetics, Royal Melbourne Hospital
Classification: Uncertain significance for Hypogonadism with anosmia. Last evaluated: 2024-06-13. Review status: criteria provided, single submitter. Criteria: ACMG Guidelines, 2015. Collection method: clinical testing. Allele origin: germline. Inheritance: Autosomal dominant inheritance. Affected: yes.
Comment: This sequence change in SOX10 is predicted to replace arginine with tryptophan at codon 178, p.(Arg178Trp). The arginine residue is highly conserved (100 vertebrates, Multiz Alignments), and is located in a region with basic and acidic residue bias. Arg178 is within a region (amino acids 159-179), that is highly intolerant to missense variation. There is a large physicochemical difference between arginine and tryptophan. The highest population minor allele frequency in the population database gnomAD v4.1 is 0.0003% (3/1,179,246 alleles) in the European (non-Finnish) population. To our knowledge, this variant has not been previously reported in the relevant scientific literature or databases. Computational evidence predicts a deleterious effect for the missense substitution (REVEL = 0.800). Based on the classification scheme RMH Modified ACMG/AMP Guidelines v1.6.1, this variant is classified as a VARIANT OF UNCERTAIN SIGNIFICANCE. Following criteria are met: PM1, PM2_Supporting, PP3.

NM_006941.4(SOX10):c.532C>T (p.Arg178Trp)

Genes: POLR2F (RNA polymerase II, I and III subunit F; plus strand), SOX10 (SRY-box transcription factor 10; minus strand). Cytogenetic location: 22q13.1.
Variant type: single nucleotide variant.
Coding change: c.532C>T on transcript NM_006941.4 (MANE Select); coding-DNA position 532, C replaced by T.
Protein change: p.Arg178Trp; replaces arginine 178 with tryptophan.
Molecular consequence: missense variant. On other transcripts: intron variant (3).
Genome position (GRCh38, 1-based): chr22:37,978,032, G>A on the plus strand (C>T on the coding strand, the complement: SOX10 is on the minus strand). VCF-style: chr22-37978032-G-A. GRCh37 (hg19) VCF-style: chr22-38374039-G-A.
Other names: c.*38+5722G>A (NM_001363825.1); c.294-8122G>A (NM_001301130.2); c.293+10862G>A (NM_001301131.2); short protein forms R178W.
Identifiers: ClinVar variation 3773789 (VCV003773789.1).